The following is an entry in ClinVar:

ClinVar aggregate classification (germline): Likely benign. Review status: criteria provided, single submitter (1 of 4 stars). 2 submissions from 2 submitters: Likely benign (1). 1 of the submissions does not count toward it. Last evaluated 2025-03-05.

Conditions:
TAPT1-related disorder. Also called: TAPT1-related condition.

Allele frequency attached by ClinVar (database versions not stated): ExAC 0.00002; gnomAD 0.00002; gnomAD exomes 0.00005; TOPMed 0.00002.
gnomAD v4.1: 72 of 1,603,584 alleles (0.0045%); highest among the groups gnomAD compares: Non-Finnish European, 0.006%; no homozygotes.

Submissions (2):

Labcorp Genetics (formerly Invitae), Labcorp
Classification: Likely benign. Last evaluated: 2025-03-05. Review status: criteria provided, single submitter. Criteria: Invitae Variant Classification Sherloc (09022015). Collection method: clinical testing. Allele origin: germline.

PreventionGenetics, part of Exact Sciences
Classification: Likely benign for TAPT1-related condition. Last evaluated: 2021-05-13. Review status: no assertion criteria provided. Collection method: clinical testing. Allele origin: germline. Not counted in ClinVar's aggregate classification.
Comment: This variant is classified as likely benign based on ACMG/AMP sequence variant interpretation guidelines (Richards et al. 2015 PMID: 25741868, with internal and published modifications).

NM_153365.3(TAPT1):c.1233T>C (p.Val411=)

Gene: TAPT1 (transmembrane anterior posterior transformation 1; minus strand). Cytogenetic location: 4p15.32.
Variant type: single nucleotide variant.
Coding change: c.1233T>C on transcript NM_153365.3 (MANE Select); coding-DNA position 1233, T replaced by C.
Protein change: p.Val411=; no amino-acid change (valine 411 retained).
Molecular consequence: synonymous variant.
Genome position (GRCh38, 1-based): chr4:16,174,207, A>G on the plus strand (T>C on the coding strand, the complement: TAPT1 is on the minus strand). VCF-style: chr4-16174207-A-G. GRCh37 (hg19) VCF-style: chr4-16175830-A-G.
Identifiers: ClinVar variation 3031102 (VCV003031102.4), dbSNP rs755493299, ClinGen allele CA2867340.